The following is an entry in ClinVar:

NM_003151.4(STAT4):c.1289C>T (p.Thr430Met)

Gene: STAT4 (signal transducer and activator of transcription 4; minus strand). Cytogenetic location: 2q32.2.
Variant type: single nucleotide variant.
Coding change: c.1289C>T on transcript NM_003151.4 (MANE Select); coding-DNA position 1289, C replaced by T.
Protein change: p.Thr430Met; replaces threonine 430 with methionine.
Molecular consequence: missense variant.
Genome position (GRCh38, 1-based): chr2:191,041,111, G>A on the plus strand (C>T on the coding strand, the complement: STAT4 is on the minus strand). VCF-style: chr2-191041111-G-A. GRCh37 (hg19) VCF-style: chr2-191905837-G-A.
Other names: c.1289C>T, p.Thr430Met (NM_001243835.2); c.1289C>T (NM_003151.3); short protein forms T430M.
Identifiers: ClinVar variation 2178710 (VCV002178710.7), dbSNP rs758109437, ClinGen allele CA2030628.

ClinVar aggregate classification (germline): Uncertain significance. Review status: criteria provided, multiple submitters, no conflicts (2 of 4 stars). 3 submissions from 3 submitters: Uncertain significance (2). 1 of the submissions does not count toward it. Last evaluated 2025-10-18.

Conditions:
STAT4-related disorder. Also called: STAT4-related condition.

Allele frequency attached by ClinVar (database versions not stated): ExAC 0.00001; gnomAD exomes 0.00002.

Submissions (3):

Ambry Genetics
Classification: Uncertain significance. Last evaluated: 2025-10-18. Review status: criteria provided, single submitter. Criteria: Ambry Variant Classification Scheme 2023. Collection method: clinical testing. Allele origin: germline.

Labcorp Genetics (formerly Invitae), Labcorp
Classification: Uncertain significance. Last evaluated: 2022-03-05. Review status: criteria provided, single submitter. Criteria: Invitae Variant Classification Sherloc (09022015). Collection method: clinical testing. Allele origin: germline.
Comment: This sequence change replaces threonine, which is neutral and polar, with methionine, which is neutral and non-polar, at codon 430 of the STAT4 protein (p.Thr430Met). The frequency data for this variant in the population databases is considered unreliable, as metrics indicate poor data quality at this position in the gnomAD database. This variant has not been reported in the literature in individuals affected with STAT4-related conditions. Algorithms developed to predict the effect of missense changes on protein structure and function are either unavailable or do not agree on the potential impact of this missense change (SIFT: "Deleterious"; PolyPhen-2: "Probably Damaging"; Align-GVGD: "Class C0"). In summary, the available evidence is currently insufficient to determine the role of this variant in disease. Therefore, it has been classified as a Variant of Uncertain Significance.

PreventionGenetics, part of Exact Sciences
Classification: Uncertain significance for STAT4-related condition. Last evaluated: 2023-12-29. Review status: no assertion criteria provided. Collection method: clinical testing. Allele origin: germline. Not counted in ClinVar's aggregate classification.
Comment: The STAT4 c.1289C>T variant is predicted to result in the amino acid substitution p.Thr430Met. To our knowledge, this variant has not been reported in the literature. This variant is reported in 0.0018% of alleles in individuals of European (Non-Finnish) descent in gnomAD. At this time, the clinical significance of this variant is uncertain due to the absence of conclusive functional and genetic evidence.